The following is an entry in ClinVar:

NM_001378609.3(OTOGL):c.6917A>G (p.Asn2306Ser)

Gene: OTOGL (otogelin like; plus strand). Cytogenetic location: 12q21.31.
Variant type: single nucleotide variant.
Coding change: c.6917A>G on transcript NM_001378609.3 (MANE Select); coding-DNA position 6917, A replaced by G.
Protein change: p.Asn2306Ser; replaces asparagine 2306 with serine.
Molecular consequence: missense variant.
Genome position (GRCh38, 1-based): chr12:80,377,903, A>G. VCF-style: chr12-80377903-A-G. GRCh37 (hg19) VCF-style: chr12-80771683-A-G.
Other names: c.6782A>G, p.Asn2261Ser (NM_001368062.3); c.6917A>G, p.Asn2306Ser (NM_001378610.3, NM_173591.7); short protein forms N2261S, N2306S.
Identifiers: ClinVar variation 873528 (VCV000873528.4), dbSNP rs1592464237, ClinGen allele CA385862588.

ClinVar aggregate classification (germline): Uncertain significance (1 of 4 stars; one submission).

Conditions:
Hearing loss, autosomal recessive. Also called: Deafness, autosomal recessive; Rare autosomal recessive non-syndromic sensorineural deafness type DFNB; Autosomal recessive nonsyndromic deafness; Nonsyndromic Hearing Loss, Recessive. Identifiers: Orphanet 90635, Orphanet 90636, MedGen C1846647, MONDO:0019588, OMIM 607197.

Allele frequency attached by ClinVar (database versions not stated): gnomAD exomes below 0.00001; TOPMed below 0.00001.
gnomAD v4.1: 1 of 1,611,712 alleles (0.000062%); highest among the groups gnomAD compares: South Asian, 0.0011%; no homozygotes.

Submission:

Illumina Laboratory Services, Illumina
Classification: Uncertain significance for Nonsyndromic hearing loss, recessive. Last evaluated: 2020-01-07. Review status: criteria provided, single submitter. Criteria: ICSLVariantClassificationCriteria RUGD 01 April 2020. Collection method: clinical testing. Allele origin: unknown.
Comment: The OTOGL c.6890A>G (p.Asn2297Ser) variant is a missense variant. A literature search was performed for the gene, cDNA change, and amino acid change. No publications were found based on this search. This variant is not found in the Genome Aggregation Database in a region of good sequence coverage, so the variant is presumed to be rare. Based on the limited evidence, the p.Asn2297Ser variant is classified as a variant of unknown significance for autosomal recessive nonsyndromic hearing loss.